The following is an entry in ClinVar:

NM_000091.5(COL4A3):c.1753G>A (p.Glu585Lys)

Genes: COL4A3 (collagen type IV alpha 3 chain; plus strand), MFF-DT (MFF divergent transcript; minus strand). Cytogenetic location: 2q36.3.
Variant type: single nucleotide variant.
Coding change: c.1753G>A on transcript NM_000091.5 (MANE Select); coding-DNA position 1753, G replaced by A.
Protein change: p.Glu585Lys; replaces glutamic acid 585 with lysine.
Molecular consequence: missense variant.
Genome position (GRCh38, 1-based): chr2:227,270,947, G>A. VCF-style: chr2-227270947-G-A. GRCh37 (hg19) VCF-style: chr2-228135663-G-A.
Other names: short protein forms E585K.
Identifiers: ClinVar variation 2631922 (VCV002631922.3), dbSNP rs757164307, ClinGen allele CA2146747.

ClinVar aggregate classification (germline): Uncertain significance. Review status: criteria provided, multiple submitters, no conflicts (2 of 4 stars). 2 submissions from 2 submitters: Uncertain significance (2). Last evaluated 2026-02-23.

Conditions:
COL4A3-related disorder. Also called: COL4A3-Related Disorders; COL4A3-related condition.

Allele frequency attached by ClinVar (database versions not stated): ExAC 0.00001; gnomAD 0.00001; TOPMed 0.00002.
gnomAD v4.1: 10 of 1,613,848 alleles (0.00062%); highest among the groups gnomAD compares: East Asian, 0.0067%; no homozygotes.

Submissions (2):

PreventionGenetics, part of Exact Sciences
Classification: Uncertain significance for COL4A3-related condition. Last evaluated: 2026-02-23. Review status: criteria provided, single submitter. Criteria: ACMG Guidelines, 2015. Collection method: clinical testing. Allele origin: germline.
Comment: The COL4A3 c.1753G>A variant is predicted to result in the amino acid substitution p.Glu585Lys. To our knowledge, this variant has not been reported in the literature. This variant is reported in 0.0058% of alleles in individuals of Latino descent in gnomAD. At this time, the clinical significance of this variant is uncertain due to the absence of conclusive functional and genetic evidence.

GeneDx
Classification: Uncertain significance. Last evaluated: 2025-05-23. Review status: criteria provided, single submitter. Criteria: GeneDx Variant Classification Process June 2021. Collection method: clinical testing. Allele origin: germline. Affected: yes.
Comment: In silico analysis suggests that this missense variant does not alter protein structure/function; Has not been previously published as pathogenic or benign to our knowledge; Occurs in the triple helical domain at the X position in the canonical Gly-X-Y repeat; although this variant may have an effect on normal protein folding and function, missense substitution at the X position is not a common mechanism of disease